The following is an entry in ClinVar:

NM_001267550.2(TTN):c.7983_7986del (p.Asn2663fs)

Gene: TTN (titin; minus strand). Cytogenetic location: 2q31.2.
Variant type: Deletion.
Coding change: c.7983_7986del on transcript NM_001267550.2 (MANE Select); coding-DNA positions 7983 to 7986, 4 bases deleted (GACT; older notation c.7983_7986delGACT).
Protein change: p.Asn2663fs; shifts the reading frame from asparagine 2663.
Molecular consequence: frameshift variant.
Genome position (GRCh38, 1-based): chr2:178,771,341-178,771,344, AGTC deleted on the plus strand (GACT on the coding strand, the reverse complement: TTN is on the minus strand); deleting any 4 consecutive bases within chr2:178,771,341-178,771,347 gives the same sequence; the c. name uses the placement nearest the transcript's 3' end. VCF-style (leftmost placement, unchanged base first): chr2-178771340-TAGTC-T. GRCh37 (hg19) VCF-style: chr2-179636067-TAGTC-T.
Other names: c.7983_7986del, p.Asn2663fs (NM_001256850.1, NM_133378.4, NM_133379.5); c.7845_7848del, p.Asn2617fs (NM_003319.4, NM_133432.3, NM_133437.4); short protein forms N2617fs, N2663fs.
Identifiers: ClinVar variation 5037792 (VCV005037792.1).

ClinVar aggregate classification (germline): Likely pathogenic (1 of 4 stars; one submission).

Conditions:
Cardiovascular phenotype. Identifiers: MedGen CN230736.

Submission:

Molecular Diagnostic Laboratory for Inherited Cardiovascular Disease, Montreal Heart Institute
Classification: Likely pathogenic for Cardiovascular phenotype. Last evaluated: 2026-06-30. Review status: criteria provided, single submitter. Criteria: ACMG Guidelines, 2015. Collection method: clinical testing. Allele origin: germline. Affected: yes.
Comment: PVS1, PM2